The following is an entry in ClinVar:

ClinVar aggregate classification (germline): Uncertain significance (1 of 4 stars; one submission).

Conditions:
Atrioventricular septal defect 4 (AVSD4). Identifiers: MedGen C3280781, MONDO:0013747, OMIM 614430.

gnomAD v4.1: 2 of 1,537,630 alleles (0.00013%); highest among the groups gnomAD compares: Non-Finnish European, 0.00017%; no homozygotes.

Submission:

Labcorp Genetics (formerly Invitae), Labcorp
Classification: Uncertain significance for Atrioventricular septal defect 4. Last evaluated: 2025-09-08. Review status: criteria provided, single submitter. Criteria: Invitae Variant Classification Sherloc (09022015). Collection method: clinical testing. Allele origin: germline.
Comment: This sequence change replaces proline, which is neutral and non-polar, with threonine, which is neutral and polar, at codon 36 of the GATA4 protein (p.Pro36Thr). This variant is not present in population databases (gnomAD no frequency). This variant has not been reported in the literature in individuals affected with GATA4-related conditions. Invitae Evidence Modeling of protein sequence and biophysical properties (such as structural, functional, and spatial information, amino acid conservation, physicochemical variation, residue mobility, and thermodynamic stability) has been performed for this missense variant. However, the output from this modeling did not meet the statistical confidence thresholds required to predict the impact of this variant on GATA4 protein function. In summary, the available evidence is currently insufficient to determine the role of this variant in disease. Therefore, it has been classified as a Variant of Uncertain Significance.

NM_001308093.3(GATA4):c.106C>A (p.Pro36Thr)

Gene: GATA4 (GATA binding protein 4). Cytogenetic location: 8p23.1.
Variant type: single nucleotide variant.
Coding change: c.106C>A on transcript NM_001308093.3 (MANE Select); coding-DNA position 106, C replaced by A.
Protein change: p.Pro36Thr; replaces proline 36 with threonine.
Molecular consequence: missense variant. On other transcripts: intron variant (3).
Genome position (GRCh38, 1-based): chr8:11,708,418, C>A. VCF-style: chr8-11708418-C-A. GRCh37 (hg19) VCF-style: chr8-11565927-C-A.
Other names: c.106C>A, p.Pro36Thr (NM_002052.5); c.-6+7640C>A (NM_001308094.2); c.-3+404C>A (NM_001374274.1); c.-3+4114C>A (NM_001374273.1); short protein forms P36T.
Identifiers: ClinVar variation 4709981 (VCV004709981.1).
Genomic context (GRCh38, chr8:11,708,418, plus strand): 5'-GGTGCCTACGAGGCGGGCGGCCCCGGCGCCTTCATGCACGGCGCGGGCGCCGCGTCCTCG[C>A]CAGTCTACGTGCCCACACCGCGGGTGCCCTCCTCCGTGCTGGGCCTGTCCTACCTCCAGG-3'
Protein context (NP_001295022.1, residues 26-46): FMHGAGAASS[Pro36Thr]VYVPTPRVPS